The following is an entry in ClinVar:

NM_001005242.3(PKP2):c.2229dup (p.Leu744fs)

Gene: PKP2 (plakophilin 2; minus strand). Cytogenetic location: 12p11.21.
Variant type: Duplication.
Coding change: c.2229dup on transcript NM_001005242.3 (MANE Select); coding-DNA position 2229, one base duplicated (T; older notation c.2229dupT).
Protein change: p.Leu744fs; shifts the reading frame from leucine 744.
Molecular consequence: frameshift variant.
Genome position (GRCh38, 1-based): chr12:32,796,237, A duplicated on the plus strand (T on the coding strand, the reverse complement: PKP2 is on the minus strand); the first of 2 consecutive A bases (chr12:32,796,237-32,796,238); duplicating either gives the same sequence. VCF-style (leftmost placement, unchanged base first): chr12-32796236-G-GA. GRCh37 (hg19) VCF-style: chr12-32949170-G-GA.
Other names: c.2361dupT (NM_004572.3); c.2361dup, p.Leu788fs (NM_004572.4); short protein forms L788fs, L744fs.
Identifiers: ClinVar variation 870096 (VCV000870096.1), dbSNP rs1956121988, ClinGen allele CA916081662.
Genomic context (GRCh38, chr12:32,796,236, plus strand): 5'-GGTAACTGTTTTGGATTATGTTGTTCAATGTGTAACAGGCAGAGGCTGTAGTTTCAATGA[G>GA]AAGGTCAGTACTCGGGACTGTGTCAGGAATGATGGAAACCAAATCAGGGAGAGTTTCTTT-3'

ClinVar aggregate classification (germline): Likely pathogenic (1 of 4 stars; one submission).

Conditions:
Hypertrophic cardiomyopathy. Also called: HYPERTROPHIC MYOCARDIOPATHY. Identifiers: Orphanet 217569, MedGen C0007194, MeSH D002312, MONDO:0005045, HP:0001639.

Submission:

Agnes Ginges Centre for Molecular Cardiology, Centenary Institute
Classification: Likely pathogenic for Hypertrophic cardiomyopathy. Last evaluated: 2018-07-23. Review status: criteria provided, single submitter. Criteria: ACMG Guidelines, 2015. Collection method: research. Allele origin: germline. Inheritance: Autosomal dominant inheritance. Affected: yes.
Comment: PKP2 Leu744Serfs*3 has not been previously reported and is absent from the Genome Aggregation Database. In summary, the variant is likely to result in a truncated PKP2 gene and loss of function is a known mechanism of disease in PKP2, furthermore the variant is very rare in population databases, therefore we classify PKP2 Leu744Serfs*3 as 'likely pathogenic'.